The following is an entry in ClinVar:

ClinVar aggregate classification (germline): Likely benign. Review status: criteria provided, multiple submitters, no conflicts (2 of 4 stars). 3 submissions from 3 submitters: Likely benign (2). 1 of the submissions does not count toward it. Last evaluated 2024-04-29.

Conditions:
RECQL-related disorder. Also called: RECQL-related condition.

Allele frequency attached by ClinVar (database versions not stated): gnomAD 0.00002; TOPMed 0.00002; gnomAD exomes 0.00003; ExAC 0.00005.
gnomAD v4.1: 42 of 1,576,786 alleles (0.0027%); highest among the groups gnomAD compares: South Asian, 0.026%; 1 homozygote.

Submissions (3):

Labcorp Genetics (formerly Invitae), Labcorp
Classification: Likely benign. Last evaluated: 2024-04-29. Review status: criteria provided, single submitter. Criteria: Invitae Variant Classification Sherloc (09022015). Collection method: clinical testing. Allele origin: germline.

Ambry Genetics
Classification: Likely benign. Last evaluated: 2022-03-10. Review status: criteria provided, single submitter. Criteria: Ambry Variant Classification Scheme 2023. Collection method: clinical testing. Allele origin: germline.

PreventionGenetics, part of Exact Sciences
Classification: Likely benign for RECQL-related condition. Last evaluated: 2022-08-05. Review status: no assertion criteria provided. Collection method: clinical testing. Allele origin: germline. Not counted in ClinVar's aggregate classification.
Comment: This variant is classified as likely benign based on ACMG/AMP sequence variant interpretation guidelines (Richards et al. 2015 PMID: 25741868, with internal and published modifications).

NM_002907.4(RECQL):c.546C>T (p.Ser182=)

Gene: RECQL (RecQ like helicase; minus strand). Cytogenetic location: 12p12.1.
Variant type: single nucleotide variant.
Coding change: c.546C>T on transcript NM_002907.4 (MANE Select); coding-DNA position 546, C replaced by T.
Protein change: p.Ser182=; no amino-acid change (serine 182 retained).
Molecular consequence: synonymous variant.
Genome position (GRCh38, 1-based): chr12:21,483,530, G>A on the plus strand (C>T on the coding strand, the complement: RECQL is on the minus strand). VCF-style: chr12-21483530-G-A. GRCh37 (hg19) VCF-style: chr12-21636464-G-A.
Other names: c.546C>T, p.Ser182= (NM_032941.3).
Identifiers: ClinVar variation 1747721 (VCV001747721.9), dbSNP rs746587399, ClinGen allele CA6479033.
Genomic context (GRCh38, chr12:21,483,530, plus strand): 5'-TGACATAAACATTTTGCTTTTTGCAATTTTCTCTGGAGTCACATAAATCAGCTTTAACTC[G>A]GAGTTTTTATTTACCATTTCAGCATGAACCCATTTAACATGCTCCTATTAAAAGAAAAAA-3'
Protein context (NP_002898.2, residues 172-192): WVHAEMVNKN[Ser182=]ELKLIYVTPE